The following is an entry in ClinVar:

ClinVar aggregate classification (germline): Uncertain significance (1 of 4 stars; one submission).

Conditions:
RASopathy. Also called: rasopathies; Noonan spectrum disorder. Identifiers: Orphanet 536391, MedGen C5555857, MONDO:0021060.

Submission:

Labcorp Genetics (formerly Invitae), Labcorp
Classification: Uncertain significance for RASopathy. Last evaluated: 2025-07-16. Review status: criteria provided, single submitter. Criteria: Invitae Variant Classification Sherloc (09022015). Collection method: clinical testing. Allele origin: germline.
Comment: This sequence change replaces alanine, which is neutral and non-polar, with serine, which is neutral and polar, at codon 392 of the PTPN11 protein (p.Ala392Ser). This variant is not present in population databases (gnomAD no frequency). This variant has not been reported in the literature in individuals affected with PTPN11-related conditions. Invitae Evidence Modeling of protein sequence and biophysical properties (such as structural, functional, and spatial information, amino acid conservation, physicochemical variation, residue mobility, and thermodynamic stability) indicates that this missense variant is not expected to disrupt PTPN11 protein function with a negative predictive value of 95%. In summary, the available evidence is currently insufficient to determine the role of this variant in disease. Therefore, it has been classified as a Variant of Uncertain Significance.

NM_002834.5(PTPN11):c.1174G>T (p.Ala392Ser)

Gene: PTPN11 (protein tyrosine phosphatase non-receptor type 11; plus strand). Cytogenetic location: 12q24.13.
Variant type: single nucleotide variant.
Coding change: c.1174G>T on transcript NM_002834.5 (MANE Select); coding-DNA position 1174, G replaced by T.
Protein change: p.Ala392Ser; replaces alanine 392 with serine.
Molecular consequence: missense variant.
Genome position (GRCh38, 1-based): chr12:112,482,155, G>T. VCF-style: chr12-112482155-G-T. GRCh37 (hg19) VCF-style: chr12-112919959-G-T.
Other names: c.1174G>T, p.Ala392Ser (NM_001330437.2, NM_080601.3); c.1171G>T, p.Ala391Ser (NM_001374625.1); short protein forms A391S, A392S.
Identifiers: ClinVar variation 4803093 (VCV004803093.1).